The following is an entry in ClinVar:

ClinVar aggregate classification (germline): Uncertain significance (1 of 4 stars; one submission).

Conditions:
Dowling-Degos disease 2 (DDD2). Identifiers: Orphanet 79145, MedGen C3809147, MONDO:0014130, OMIM 615327.

Allele frequency attached by ClinVar (database versions not stated): ExAC 0.00001; TOPMed 0.00002; gnomAD 0.00003.
gnomAD v4.1: 62 of 1,613,850 alleles (0.0038%); highest among the groups gnomAD compares: Middle Eastern, 0.016%; no homozygotes.

Submission:

Labcorp Genetics (formerly Invitae), Labcorp
Classification: Uncertain significance for Dowling-Degos disease 2. Last evaluated: 2022-12-20. Review status: criteria provided, single submitter. Criteria: Invitae Variant Classification Sherloc (09022015). Collection method: clinical testing. Allele origin: germline.
Comment: This sequence change replaces arginine, which is basic and polar, with histidine, which is basic and polar, at codon 240 of the POFUT1 protein (p.Arg240His). This variant is present in population databases (rs758809233, gnomAD 0.01%). This variant has not been reported in the literature in individuals affected with POFUT1-related conditions. Algorithms developed to predict the effect of missense changes on protein structure and function (SIFT, PolyPhen-2, Align-GVGD) all suggest that this variant is likely to be disruptive. In summary, the available evidence is currently insufficient to determine the role of this variant in disease. Therefore, it has been classified as a Variant of Uncertain Significance.

NM_015352.2(POFUT1):c.719G>A (p.Arg240His)

Gene: POFUT1 (protein O-fucosyltransferase 1; plus strand). Cytogenetic location: 20q11.21.
Variant type: single nucleotide variant.
Coding change: c.719G>A on transcript NM_015352.2 (MANE Select); coding-DNA position 719, G replaced by A.
Protein change: p.Arg240His; replaces arginine 240 with histidine.
Molecular consequence: missense variant.
Genome position (GRCh38, 1-based): chr20:32,228,439, G>A. VCF-style: chr20-32228439-G-A. GRCh37 (hg19) VCF-style: chr20-30816242-G-A.
Other names: short protein forms R240H.
Identifiers: ClinVar variation 2976526 (VCV002976526.3), dbSNP rs758809233, ClinGen allele CA9807341.